The following is an entry in ClinVar:

NM_001367624.2(ZNF469):c.5437G>A (p.Gly1813Arg)

Gene: ZNF469 (zinc finger protein 469; plus strand). Cytogenetic location: 16q24.2.
Variant type: single nucleotide variant.
Coding change: c.5437G>A on transcript NM_001367624.2 (MANE Select); coding-DNA position 5437, G replaced by A.
Protein change: p.Gly1813Arg; replaces glycine 1813 with arginine.
Molecular consequence: missense variant.
Genome position (GRCh38, 1-based): chr16:88,432,907, G>A. VCF-style: chr16-88432907-G-A. GRCh37 (hg19) VCF-style: chr16-88499315-G-A.
Other names: short protein forms G1813R.
Identifiers: ClinVar variation 4687770 (VCV004687770.1).

ClinVar aggregate classification (germline): Uncertain significance (1 of 4 stars; one submission).

gnomAD v4.1: 7 of 1,550,362 alleles (0.00045%); highest among the groups gnomAD compares: East Asian, 0.0098%; no homozygotes.

Submission:

Women's Health and Genetics/Laboratory Corporation of America, LabCorp
Classification: Uncertain significance. Last evaluated: 2025-10-24. Review status: criteria provided, single submitter. Criteria: LabCorp Variant Classification Summary - May 2015. Collection method: clinical testing. Allele origin: germline.
Comment: Variant summary: ZNF469 c.5437G>A (p.Gly1813Arg) results in a non-conservative amino acid change in the encoded protein sequence. Algorithms developed to predict the effect of missense changes on protein structure and function are either unavailable or do not agree on the potential impact of this missense change. The variant allele was found at a frequency of 1.3e-05 in 152704 control chromosomes. The available data on variant occurrences in the general population are insufficient to allow any conclusion about variant significance. To our knowledge, no occurrence of c.5437G>A in individuals affected with ZNF469-related conditions and no experimental evidence demonstrating its impact on protein function have been reported. No submitters have cited clinical-significance assessments for this variant to ClinVar. Based on the evidence outlined above, the variant was classified as uncertain significance.